The following is an entry in ClinVar:

NM_007254.4(PNKP):c.328C>T (p.Arg110Cys)

Gene: PNKP (polynucleotide kinase 3'-phosphatase; minus strand). Cytogenetic location: 19q13.33.
Variant type: single nucleotide variant.
Coding change: c.328C>T on transcript NM_007254.4 (MANE Select); coding-DNA position 328, C replaced by T.
Protein change: p.Arg110Cys; replaces arginine 110 with cysteine.
Molecular consequence: missense variant.
Genome position (GRCh38, 1-based): chr19:49,865,297, G>A on the plus strand (C>T on the coding strand, the complement: PNKP is on the minus strand). VCF-style: chr19-49865297-G-A. GRCh37 (hg19) VCF-style: chr19-50368554-G-A.
Other names: short protein forms R110C.
Identifiers: ClinVar variation 3373062 (VCV003373062.2).

ClinVar aggregate classification (germline): Uncertain significance (1 of 4 stars; one submission).

Submission:

GeneDx
Classification: Uncertain significance. Last evaluated: 2025-03-28. Review status: criteria provided, single submitter. Criteria: GeneDx Variant Classification Process June 2021. Collection method: clinical testing. Allele origin: germline. Affected: yes.
Comment: Not observed at significant frequency in large population cohorts (gnomAD); In silico analysis indicates that this missense variant does not alter protein structure/function; Has not been previously published as pathogenic or benign to our knowledge